The following is an entry in ClinVar:

NM_020778.5(ALPK3):c.2561G>A (p.Gly854Asp)

Gene: ALPK3 (alpha kinase 3; plus strand). Cytogenetic location: 15q25.3.
Variant type: single nucleotide variant.
Coding change: c.2561G>A on transcript NM_020778.5 (MANE Select); coding-DNA position 2561, G replaced by A.
Protein change: p.Gly854Asp; replaces glycine 854 with aspartic acid.
Molecular consequence: missense variant.
Genome position (GRCh38, 1-based): chr15:84,857,299, G>A. VCF-style: chr15-84857299-G-A. GRCh37 (hg19) VCF-style: chr15-85400530-G-A.
Other names: short protein forms G854D.
Identifiers: ClinVar variation 1942016 (VCV001942016.5), dbSNP rs572169625, ClinGen allele CA393357594.

ClinVar aggregate classification (germline): Uncertain significance (1 of 4 stars; one submission).

Submission:

Labcorp Genetics (formerly Invitae), Labcorp
Classification: Uncertain significance. Last evaluated: 2022-04-15. Review status: criteria provided, single submitter. Criteria: Invitae Variant Classification Sherloc (09022015). Collection method: clinical testing. Allele origin: germline.
Comment: This sequence change replaces glycine, which is neutral and non-polar, with aspartic acid, which is acidic and polar, at codon 1056 of the ALPK3 protein (p.Gly1056Asp). In summary, the available evidence is currently insufficient to determine the role of this variant in disease. Therefore, it has been classified as a Variant of Uncertain Significance. Algorithms developed to predict the effect of missense changes on protein structure and function are either unavailable or do not agree on the potential impact of this missense change (SIFT: "Tolerated"; PolyPhen-2: "Possibly Damaging"; Align-GVGD: "Class C0"). This variant has not been reported in the literature in individuals affected with ALPK3-related conditions. This variant is not present in population databases (gnomAD no frequency).